The following is an entry in ClinVar:

NM_003108.4(SOX11):c.546G>T (p.Ala182=)

Gene: SOX11 (SRY-box transcription factor 11; plus strand). Cytogenetic location: 2p25.2.
Variant type: single nucleotide variant.
Coding change: c.546G>T on transcript NM_003108.4 (MANE Select); coding-DNA position 546, G replaced by T.
Protein change: p.Ala182=; no amino-acid change (alanine 182 retained).
Molecular consequence: synonymous variant.
Genome position (GRCh38, 1-based): chr2:5,693,267, G>T. VCF-style: chr2-5693267-G-T. GRCh37 (hg19) VCF-style: chr2-5833399-G-T.
Identifiers: ClinVar variation 3350767 (VCV003350767.1).
Genomic context (GRCh38, chr2:5,693,267, plus strand): 5'-CTCCAGCAAGAAATGCGGCAAGCTCAAGGCCCCCGCGGCCGCGGGCGCCAAGGCGGGCGC[G>T]GGCAAGGCGGCCCAGTCCGGGGACTACGGGGGCGCGGGCGACGACTACGTGCTGGGCAGC-3'
Protein context (NP_003099.1, residues 172-192): APAAAGAKAG[Ala182=]GKAAQSGDYG

ClinVar aggregate classification (germline): Likely benign (0 of 4 stars; one submission).

Conditions:
SOX11-related disorder. Also called: SOX11-related condition.

Submission:

PreventionGenetics, part of Exact Sciences
Classification: Likely benign for SOX11-related condition. Last evaluated: 2019-07-15. Review status: no assertion criteria provided. Collection method: clinical testing. Allele origin: germline.
Comment: This variant is classified as likely benign based on ACMG/AMP sequence variant interpretation guidelines (Richards et al. 2015 PMID: 25741868, with internal and published modifications).